The following is an entry in ClinVar:

ClinVar aggregate classification (germline): Pathogenic (1 of 4 stars; one submission).

Submission:

Quest Diagnostics Nichols Institute San Juan Capistrano
Classification: Pathogenic. Last evaluated: 2024-07-10. Review status: criteria provided, single submitter. Criteria: ACMG/ClinGen CNV Guidelines, 2019. Collection method: clinical testing. Allele origin: unknown.
Comment: This 13q13.1 loss involves at least five protein-coding genes, including gene BRCA2 (OMIM 600185). Haploinsufficiency of BRCA2 is associated with susceptibility to breast (OMIM 114480) and ovarian cancer (OMIM 612555; Casaubon 2023, Rehm 2015, Petrucelli 2023). Heterozygous deletions involving BRCA2 have been reported in individuals with breast and ovarian cancer (Caux-Moncoutier 2011, Lecarpentier 2012, Scaglione 2018, Tournier 2004, van der Merwe 2020). Furthermore, heterozygous pathogenic variants of BRCA2 have been reported in individuals with Wilms tumor-1 (WT1; OMIM 194070) and are associated with susceptibilities to medulloblastoma (MDB; OMIM 155255), pancreatic cancer (PNCA2; OMIM 613347), and prostate cancer (OMIM 176807).There are no similar copy number losses of this region in the general populations of the Database of Genomic Variants. Therefore, this copy number variant (CNV) is classified as pathogenic with reduced penetrance. References: Casaubon et al., StatPearls [2023 Jul 23]. PMID: 29262038 Caux-Moncoutier et al., Hum Mutat. 2011 Mar;32(3):325-34. PMID: 21120943 Rehm et al., N Engl J Med. 2015 Jun 4;372(23):2235-42. PMID: 26014595 Lecarpentier et al., Breast Cancer Res. 2012 Jul 3;14(4):R99. PMID: 22762150 Petrucelli et al., GeneReviews. [2023 Sep 21]. PMID: 20301425 Scaglione et al., Int J Mol Sci. 2018 Mar 23;19(4):961. PMID: 29570666 Tournier et al., Cancer Res. 2004 Nov 15;64(22):8143-7. PMID: 15548676 van der Merwe et al., BMC Cancer. 2020 May 6;20(1):391. PMID: 32375709

GRCh37/hg19 13q13.1(chr13:32668492-33154022)x1

Genes: BRCA2 (BRCA2 DNA repair associated; plus strand), FRY (FRY microtubule binding protein; plus strand), N4BP2L1 (NEDD4 binding protein 2 like 1; minus strand), N4BP2L2 (NEDD4 binding protein 2 like 2; minus strand), ZAR1L (zygote arrest 1 like; minus strand). Cytogenetic location: 13q13.1.
Variant type: copy number loss.
Change: copy number 1 (one copy instead of two) of chr13:32,668,492-33,154,022 (485.5 kb, GRCh37 coordinates, 1-based), cytogenetic band 13q13.1.
Identifiers: ClinVar variation 4682823 (VCV004682823.1).